The following is an entry in ClinVar:

ClinVar aggregate classification (germline): Likely pathogenic (1 of 4 stars; one submission).

Conditions:
Autosomal recessive nonsyndromic hearing loss 28. Identifiers: Orphanet 90636, MedGen C1853276, MONDO:0012355, OMIM 609823.

Submission:

Juno Genomics, Hangzhou Juno Genomics, Inc
Classification: Likely pathogenic for Autosomal recessive nonsyndromic hearing loss 28. Review status: criteria provided, single submitter. Criteria: ACMG Guidelines, 2015. Collection method: clinical testing. Allele origin: germline.
Comment: Null variant in a gene where loss of function (LOF) is a known mechanism of disease.;Absent from controls (or at extremely low frequency if recessive) in Genome Aggregation Database.

NM_001039141.3(TRIOBP):c.283G>T (p.Glu95Ter)

Gene: TRIOBP (TRIO and F-actin binding protein; plus strand). Cytogenetic location: 22q13.1.
Variant type: single nucleotide variant.
Coding change: c.283G>T on transcript NM_001039141.3 (MANE Select); coding-DNA position 283, G replaced by T.
Protein change: p.Glu95Ter; replaces glutamic acid 95 with a stop codon.
Molecular consequence: nonsense.
Genome position (GRCh38, 1-based): chr22:37,713,238, G>T. VCF-style: chr22-37713238-G-T. GRCh37 (hg19) VCF-style: chr22-38109245-G-T.
Other names: short protein forms E95*.
Identifiers: ClinVar variation 5006487 (VCV005006487.2).